The following is an entry in ClinVar:

ClinVar aggregate classification (germline): Uncertain significance (0 of 4 stars; one submission).

Conditions:
FOXF1-related disorder. Also called: FOXF1-related condition.

Submission:

PreventionGenetics, part of Exact Sciences
Classification: Uncertain significance for FOXF1-related condition. Last evaluated: 2023-12-20. Review status: no assertion criteria provided. Collection method: clinical testing. Allele origin: germline.
Comment: The FOXF1 c.784G>T variant is predicted to result in the amino acid substitution p.Val262Phe. To our knowledge, this variant has not been reported in the literature or in a large population database, indicating this variant is rare. At this time, the clinical significance of this variant is uncertain due to the absence of conclusive functional and genetic evidence.

NM_001451.3(FOXF1):c.784G>T (p.Val262Phe)

Gene: FOXF1 (forkhead box F1; plus strand). Cytogenetic location: 16q24.1.
Variant type: single nucleotide variant.
Coding change: c.784G>T on transcript NM_001451.3 (MANE Select); coding-DNA position 784, G replaced by T.
Protein change: p.Val262Phe; replaces valine 262 with phenylalanine.
Molecular consequence: missense variant.
Genome position (GRCh38, 1-based): chr16:86,511,353, G>T. VCF-style: chr16-86511353-G-T. GRCh37 (hg19) VCF-style: chr16-86544959-G-T.
Other names: short protein forms V262F.
Identifiers: ClinVar variation 3054465 (VCV003054465.2), dbSNP rs1373090237, ClinGen allele CA397008258.